The following is an entry in ClinVar:

NM_002528.7(NTHL1):c.67G>A (p.Gly23Arg)

Gene: NTHL1 (nth like DNA glycosylase 1; minus strand). Cytogenetic location: 16p13.3.
Variant type: single nucleotide variant.
Coding change: c.67G>A on transcript NM_002528.7 (MANE Select); coding-DNA position 67, G replaced by A.
Protein change: p.Gly23Arg; replaces glycine 23 with arginine.
Molecular consequence: missense variant. On other transcripts: 5 prime UTR variant (1).
Genome position (GRCh38, 1-based): chr16:2,047,757, C>T on the plus strand (G>A on the coding strand, the complement: NTHL1 is on the minus strand). VCF-style: chr16-2047757-C-T. GRCh37 (hg19) VCF-style: chr16-2097758-C-T.
Other names: c.67G>A, p.Gly23Arg (NM_001318193.2); c.-112G>A (NM_001318194.2); c.91G>A (NM_002528.5); short protein forms G23R.
Identifiers: ClinVar variation 3650057 (VCV003650057.3).
Genomic context (GRCh38, chr16:2,047,757, plus strand): 5'-GCGCGGCGCTACCTGCTGCAGCCTCTCTTCTCCGGAGAGGCCCGGGCTCCTCCCTACACC[C>T]CCGCGGCCCAGCCCCGGGTCCCAGGCTCCGGCTCCGGGTCAGCATCCTCGCGCTCAAGGC-3'
Protein context (NP_002519.2, residues 13-33): RSLGPGAGPR[Gly23Arg]CREEPGPLRR

ClinVar aggregate classification (germline): Uncertain significance. Review status: criteria provided, multiple submitters, no conflicts (2 of 4 stars). 2 submissions from 2 submitters: Uncertain significance (2). Last evaluated 2025-04-12.

Conditions:
Hereditary cancer-predisposing syndrome. Also called: Neoplastic Syndromes, Hereditary; Tumor predisposition; Hereditary neoplastic syndrome; Hereditary Cancer Syndrome. Identifiers: Orphanet 140162, MedGen C0027672, MeSH D009386, MONDO:0015356.

gnomAD v4.1: 2 of 1,586,658 alleles (0.00013%); highest among the groups gnomAD compares: Non-Finnish European, 0.00017%; no homozygotes.

Submissions (2):

Ambry Genetics
Classification: Uncertain significance for Hereditary cancer-predisposing syndrome. Last evaluated: 2025-04-12. Review status: criteria provided, single submitter. Criteria: Ambry Variant Classification Scheme 2023. Collection method: clinical testing. Allele origin: germline.
Comment: The p.G31R variant (also known as c.91G>A), located in coding exon 1 of the NTHL1 gene, results from a G to A substitution at nucleotide position 91. The glycine at codon 31 is replaced by arginine, an amino acid with dissimilar properties. This amino acid position is conserved. In addition, this alteration is predicted to be tolerated by in silico analysis. Based on the available evidence, the clinical significance of this variant remains unclear.

Labcorp Genetics (formerly Invitae), Labcorp
Classification: Uncertain significance. Last evaluated: 2024-04-16. Review status: criteria provided, single submitter. Criteria: Invitae Variant Classification Sherloc (09022015). Collection method: clinical testing. Allele origin: germline.
Comment: This sequence change replaces glycine, which is neutral and non-polar, with arginine, which is basic and polar, at codon 31 of the NTHL1 protein (p.Gly31Arg). This variant is not present in population databases (gnomAD no frequency). This variant has not been reported in the literature in individuals affected with NTHL1-related conditions. Algorithms developed to predict the effect of missense changes on protein structure and function output the following: SIFT: "Not Available"; PolyPhen-2: "Benign"; Align-GVGD: "Not Available". The arginine amino acid residue is found in multiple mammalian species, which suggests that this missense change does not adversely affect protein function. In summary, the available evidence is currently insufficient to determine the role of this variant in disease. Therefore, it has been classified as a Variant of Uncertain Significance.